The following is an entry in ClinVar:

NM_001374259.2(IL12RB2):c.2227A>T (p.Met743Leu)

Gene: IL12RB2 (interleukin 12 receptor subunit beta 2; plus strand). Cytogenetic location: 1p31.3.
Variant type: single nucleotide variant.
Coding change: c.2227A>T on transcript NM_001374259.2 (MANE Select); coding-DNA position 2227, A replaced by T.
Protein change: p.Met743Leu; replaces methionine 743 with leucine.
Molecular consequence: missense variant. On other transcripts: non-coding transcript variant (2), 3 prime UTR variant (3).
Genome position (GRCh38, 1-based): chr1:67,395,727, A>T. VCF-style: chr1-67395727-A-T. GRCh37 (hg19) VCF-style: chr1-67861410-A-T.
Other names: c.*147A>T (NM_001258214.1, NM_001319233.1); c.1969A>T, p.Met657Leu (NM_001258215.1); c.*128A>T (NM_001258216.1); c.2227A>T, p.Met743Leu (NM_001559.3); short protein forms M657L, M743L.
Identifiers: ClinVar variation 3009363 (VCV003009363.3), dbSNP rs766399984, ClinGen allele CA900694.

ClinVar aggregate classification (germline): Uncertain significance (1 of 4 stars; one submission).

Allele frequency attached by ClinVar (database versions not stated): gnomAD 0.00001; gnomAD exomes 0.00001; ExAC 0.00002.
gnomAD v4.1: 8 of 1,613,952 alleles (0.0005%); highest among the groups gnomAD compares: Admixed American, 0.012%; no homozygotes.

Submission:

Labcorp Genetics (formerly Invitae), Labcorp
Classification: Uncertain significance. Last evaluated: 2023-07-31. Review status: criteria provided, single submitter. Criteria: Invitae Variant Classification Sherloc (09022015). Collection method: clinical testing. Allele origin: germline.
Comment: This sequence change replaces methionine, which is neutral and non-polar, with leucine, which is neutral and non-polar, at codon 743 of the IL12RB2 protein (p.Met743Leu). This variant is present in population databases (rs766399984, gnomAD 0.02%). This variant has not been reported in the literature in individuals affected with IL12RB2-related conditions. Algorithms developed to predict the effect of missense changes on protein structure and function output the following: SIFT: "Not Available"; PolyPhen-2: "Benign"; Align-GVGD: "Not Available". The leucine amino acid residue is found in multiple mammalian species, which suggests that this missense change does not adversely affect protein function. In summary, the available evidence is currently insufficient to determine the role of this variant in disease. Therefore, it has been classified as a Variant of Uncertain Significance.